The following is an entry in ClinVar:

ClinVar aggregate classification (germline): Pathogenic/Likely pathogenic. Review status: criteria provided, multiple submitters, no conflicts (2 of 4 stars). 8 submissions from 8 submitters: Pathogenic (2); Likely pathogenic (4). 2 of the submissions do not count toward it. Last evaluated 2026-01-14.

Conditions:
Inborn genetic diseases. Identifiers: MedGen C0950123, MeSH D030342.
Combined pituitary hormone deficiencies, genetic form. Also called: Pituitary hormone deficiency, combined. Identifiers: Orphanet 95494, MedGen C4273747, MONDO:0013099.
Pituitary hormone deficiency, combined, 2. Also called: PROP1-Related Combined Pituitary Hormone Deficiency; ATELIOTIC DWARFISM WITH HYPOGONADISM; HANHART DWARFISM; PITUITARY DWARFISM III. Identifiers: MedGen C0878683, MONDO:0009878, OMIM 262600.

Allele frequency attached by ClinVar (database versions not stated): gnomAD exomes 0.00004 and 0.00001; gnomAD 0.00001 and 0.00002; TOPMed 0.00002; ExAC 0.00003.
gnomAD v4.1: 22 of 1,614,044 alleles (0.0014%); highest among the groups gnomAD compares: Admixed American, 0.013%; no homozygotes.

Submissions (8):

Labcorp Genetics (formerly Invitae), Labcorp
Classification: Likely pathogenic. Last evaluated: 2026-01-14. Review status: criteria provided, single submitter. Criteria: Invitae Variant Classification Sherloc (09022015). Collection method: clinical testing. Allele origin: germline.
Comment: This sequence change replaces arginine, which is basic and polar, with glutamine, which is neutral and polar, at codon 99 of the PROP1 protein (p.Arg99Gln). This variant is present in population databases (rs137853100, gnomAD 0.02%). This missense change has been observed in individual(s) with combined pituitary hormone deficiency (PMID: 12519826). It has also been observed to segregate with disease in related individuals. ClinVar contains an entry for this variant (Variation ID: 8106). Invitae Evidence Modeling of protein sequence and biophysical properties (such as structural, functional, and spatial information, amino acid conservation, physicochemical variation, residue mobility, and thermodynamic stability) has been performed for this missense variant. However, the output from this modeling did not meet the statistical confidence thresholds required to predict the impact of this variant on PROP1 protein function. Experimental studies have shown that this missense change affects PROP1 function (PMID: 12519826). In summary, the currently available evidence indicates that the variant is pathogenic, but additional data are needed to prove that conclusively. Therefore, this variant has been classified as Likely Pathogenic.

Natera, Inc.
Classification: Likely pathogenic for Combined pituitary hormone deficiency type 2. Last evaluated: 2025-09-25. Review status: criteria provided, single submitter. Criteria: Natera Variant Classification Schema (03/2026). Collection method: clinical testing. Allele origin: germline.
Comment: The c.296G>A variant in PROP1 is a missense variant predicted to cause substitution of arginine to glutamine at amino acid 99. This variant is rare in the general population with a frequency below the threshold expected for the associated phenotype(s). This variant has been observed in one or more individuals affected with the associated recessive disease, as either homozygous or compound heterozygous with a second variant (PMID: 12519826). Functional studies show that this variant may disrupt protein function (PMID: 12519826). Computational prediction algorithms indicate this variant is likely to affect gene or protein function. Given the available evidence, this variant is classified as Likely Pathogenic.

Fulgent Genetics
Classification: Likely pathogenic for Pituitary hormone deficiency, combined, 2. Last evaluated: 2024-04-25. Review status: criteria provided, single submitter. Criteria: ACMG Guidelines, 2015. Collection method: clinical testing. Allele origin: germline.

Women's Health and Genetics/Laboratory Corporation of America, LabCorp
Classification: Pathogenic for Combined pituitary hormone deficiencies, genetic form. Last evaluated: 2023-06-28. Review status: criteria provided, single submitter. Criteria: LabCorp Variant Classification Summary - May 2015. Collection method: clinical testing. Allele origin: germline.
Comment: Variant summary: PROP1 c.296G>A (p.Arg99Gln) results in a conservative amino acid change located in the Homeobox domain (IPR001356) of the encoded protein sequence. Three of four in-silico tools predict a damaging effect of the variant on protein function. The variant allele was found at a frequency of 3.6e-05 in 251260 control chromosomes (gnomAD). c.296G>A has been reported in the literature in two homozygous siblings affected with Combined Pituitary Hormone Deficiency (Vieira_2003, Vieira_2007). These data indicate that the variant is likely to be associated with disease. At least one publication reports experimental evidence evaluating an impact on protein function, and demonstrated that the variant results in a significant decrease in DNA binding and transactivation activity (Vieira_2003). The following publications have been ascertained in the context of this evaluation (PMID: 12519826, 18157385, 27013732). Four submitters have cited clinical-significance assessments for this variant to ClinVar after 2014, mostly without evidence details for independent evaluation, and classified the variant as pathogenic (n=2) / likely pathogenic (n=1), or VUS (n=1). Based on the evidence outlined above, the variant was classified as pathogenic.

Ambry Genetics
Classification: Pathogenic for Inborn genetic diseases. Last evaluated: 2016-04-07. Review status: criteria provided, single submitter. Criteria: Ambry exome assertion method (8-5-2015). Collection method: clinical testing. Allele origin: germline. Affected: yes. Observed: 1 variant allele.

Juno Genomics, Hangzhou Juno Genomics, Inc
Classification: Likely pathogenic for Pituitary hormone deficiency, combined, 2. Review status: criteria provided, single submitter. Criteria: ACMG Guidelines, 2015. Collection method: clinical testing. Allele origin: germline.
Comment: Absent from controls (or at extremely low frequency if recessive) in Genome Aggregation Database.;Multiple lines of computational evidence support a deleterious effect on the gene or gene product.;For recessive disorders, detected in trans with a pathogenic variant.;Patient's phenotype or family history is highly specific for a disease with a single genetic etiology.;Co-segregation with disease in multiple affected family members.

Counsyl
Classification: Uncertain significance for Pituitary hormone deficiency, combined, 2. Last evaluated: 2017-08-31. Review status: no assertion criteria provided. Collection method: clinical testing. Allele origin: unknown. Not counted in ClinVar's aggregate classification.

OMIM
Classification: Pathogenic for PITUITARY HORMONE DEFICIENCY, COMBINED, 2. Last evaluated: 2003-01-01. Review status: no assertion criteria provided. Collection method: literature only. Allele origin: germline. Not counted in ClinVar's aggregate classification.

Literature cited by the submitters: PubMed 12519826 (cited by 5 submitters); PubMed 18157385 (cited by Women's Health and Genetics/Laboratory Corporation of America, LabCorp and Counsyl); PubMed 27013732 (cited by Women's Health and Genetics/Laboratory Corporation of America, LabCorp).

NM_006261.5(PROP1):c.296G>A (p.Arg99Gln)

Gene: PROP1 (PROP paired-like homeobox 1; minus strand). Cytogenetic location: 5q35.3.
Variant type: single nucleotide variant.
Coding change: c.296G>A on transcript NM_006261.5 (MANE Select); coding-DNA position 296, G replaced by A.
Protein change: p.Arg99Gln; replaces arginine 99 with glutamine.
Molecular consequence: missense variant.
Genome position (GRCh38, 1-based): chr5:177,994,152, C>T on the plus strand (G>A on the coding strand, the complement: PROP1 is on the minus strand). VCF-style: chr5-177994152-C-T. GRCh37 (hg19) VCF-style: chr5-177421153-C-T.
Other names: short protein forms R99Q.
Identifiers: ClinVar variation 8106 (VCV000008106.20), dbSNP rs137853100, ClinGen allele CA340737.
Genomic context (GRCh38, chr5:177,994,152, plus strand): 5'-TCCTGGAGCATCACCTGGATTCGGGCCTCACTGAGGCCAGTGTCCCGGGCAAGACTCTCT[C>T]GGGCCCAGATGTCGGGGTACTGGTTCCTCCCAAAGGCTGACTCCAGCTGTTCCAACTGCA-3'
Protein context (NP_006252.4, residues 89-109): GRNQYPDIWA[Arg99Gln]ESLARDTGLS